The following is an entry in ClinVar:

NM_001650.7(AQP4):c.201G>T (p.Pro67=)

Gene: AQP4 (aquaporin 4; minus strand). Cytogenetic location: 18q11.2.
Variant type: single nucleotide variant.
Coding change: c.201G>T on transcript NM_001650.7 (MANE Select); coding-DNA position 201, G replaced by T.
Protein change: p.Pro67=; no amino-acid change (proline 67 retained).
Molecular consequence: synonymous variant.
Genome position (GRCh38, 1-based): chr18:26,862,428, C>A on the plus strand (G>T on the coding strand, the complement: AQP4 is on the minus strand). VCF-style: chr18-26862428-C-A. GRCh37 (hg19) VCF-style: chr18-24442392-C-A.
Other names: c.201G>T, p.Pro67= (NM_001317384.3, NM_001317387.3); c.135G>T, p.Pro45= (NM_001364286.1, NM_001364287.1, NM_001364289.2 and 1 more transcripts).
Identifiers: ClinVar variation 3060164 (VCV003060164.2), dbSNP rs35248760, ClinGen allele CA8922679.

ClinVar aggregate classification (germline): Benign (0 of 4 stars; one submission).

Conditions:
AQP4-related disorder. Also called: AQP4-related condition.

Allele frequency attached by ClinVar (database versions not stated): 1000 Genomes Project 0.04413; 1000 Genomes Project 30x 0.04528; TOPMed 0.08017; gnomAD 0.08677; ESP Exome Variant Server 0.09011.
gnomAD v4.1: 176,506 of 1,614,072 alleles (11%); highest among the groups gnomAD compares: Non-Finnish European, 12%; 11,085 homozygotes.

Submission:

PreventionGenetics, part of Exact Sciences
Classification: Benign for AQP4-related condition. Last evaluated: 2019-10-18. Review status: no assertion criteria provided. Collection method: clinical testing. Allele origin: germline.
Comment: This variant is classified as benign based on ACMG/AMP sequence variant interpretation guidelines (Richards et al. 2015 PMID: 25741868, with internal and published modifications).